The following is an entry in ClinVar:

ClinVar aggregate classification (germline): Uncertain significance. Review status: criteria provided, multiple submitters, no conflicts (2 of 4 stars). 5 submissions from 5 submitters: Uncertain significance (4). 1 of the submissions does not count toward it. Last evaluated 2025-11-26.

Conditions:
Hereditary insensitivity to pain with anhidrosis (CIPA). Also called: NTRK1 Congenital Insensitivity to Pain with Anhidrosis; HSAN Type IV; FAMILIAL DYSAUTONOMIA, TYPE II; hereditary sensory and autonomic neuropathy type 4; INSENSITIVITY TO PAIN, CONGENITAL, WITH ANHIDROSIS; NEUROPATHY, CONGENITAL SENSORY, WITH ANHIDROSIS. Identifiers: Orphanet 642, MedGen C0020074, MONDO:0009746, OMIM 256800.
Inborn genetic diseases. Identifiers: MedGen C0950123, MeSH D030342.

Allele frequency attached by ClinVar (database versions not stated): gnomAD 0.00001; gnomAD exomes 0.00001 and 0.00003; TOPMed 0.00002.
gnomAD v4.1: 44 of 1,541,634 alleles (0.0029%); highest among the groups gnomAD compares: Non-Finnish European, 0.0037%; no homozygotes.

Submissions (5):

Myriad Genetics, Inc.
Classification: Uncertain significance for Hereditary insensitivity to pain with anhidrosis. Last evaluated: 2025-11-26. Review status: criteria provided, single submitter. Criteria: Myriad Autosomal Dominant, Autosomal Recessive and X-Linked Classification Criteria (2023). Collection method: clinical testing. Allele origin: unknown.
Comment: NM_002529.3(NTRK1):c.88T>C(S30P) is a missense variant classified as a variant of uncertain significance in the context of congenital insensitivity to pain with anhidrosis, NTRK1-related. S30P has not been observed in cases with relevant disease. Relevant functional assessments of this variant are not available in the literature. S30P has been observed in referenced population frequency databases. In summary, there is insufficient evidence to classify NM_002529.3(NTRK1):c.88T>C(S30P) as pathogenic or benign. Please note: this variant was assessed in the context of healthy population screening.

Ambry Genetics
Classification: Uncertain significance for Inborn genetic diseases. Last evaluated: 2025-05-20. Review status: criteria provided, single submitter. Criteria: Ambry Variant Classification Scheme 2023. Collection method: clinical testing. Allele origin: germline.

Genome-Nilou Lab
Classification: Uncertain significance for Hereditary insensitivity to pain with anhidrosis. Last evaluated: 2023-04-11. Review status: criteria provided, single submitter. Criteria: ACMG Guidelines, 2015. Collection method: clinical testing. Allele origin: germline. Affected: no.

Labcorp Genetics (formerly Invitae), Labcorp
Classification: Uncertain significance for Hereditary insensitivity to pain with anhidrosis. Last evaluated: 2022-08-20. Review status: criteria provided, single submitter. Criteria: Invitae Variant Classification Sherloc (09022015). Collection method: clinical testing. Allele origin: germline.
Comment: This sequence change replaces serine, which is neutral and polar, with proline, which is neutral and non-polar, at codon 30 of the NTRK1 protein (p.Ser30Pro). The frequency data for this variant in the population databases is considered unreliable, as metrics indicate poor data quality at this position in the gnomAD database. This variant has not been reported in the literature in individuals affected with NTRK1-related conditions. ClinVar contains an entry for this variant (Variation ID: 664786). Advanced modeling of protein sequence and biophysical properties (such as structural, functional, and spatial information, amino acid conservation, physicochemical variation, residue mobility, and thermodynamic stability) performed at Invitae indicates that this missense variant is not expected to disrupt NTRK1 protein function. In summary, the available evidence is currently insufficient to determine the role of this variant in disease. Therefore, it has been classified as a Variant of Uncertain Significance.

Natera, Inc.
Classification: Uncertain significance for Hereditary insensitivity to pain with anhidrosis. Last evaluated: 2020-09-16. Review status: no assertion criteria provided. Collection method: clinical testing. Allele origin: germline. Not counted in ClinVar's aggregate classification.

NM_002529.4(NTRK1):c.88T>C (p.Ser30Pro)

Gene: NTRK1 (neurotrophic receptor tyrosine kinase 1; plus strand). Cytogenetic location: 1q23.1.
Variant type: single nucleotide variant.
Coding change: c.88T>C on transcript NM_002529.4 (MANE Select); coding-DNA position 88, T replaced by C.
Protein change: p.Ser30Pro; replaces serine 30 with proline.
Molecular consequence: missense variant. On other transcripts: intron variant (1).
Genome position (GRCh38, 1-based): chr1:156,861,022, T>C. VCF-style: chr1-156861022-T-C. GRCh37 (hg19) VCF-style: chr1-156830814-T-C.
Other names: c.88T>C, p.Ser30Pro (NM_001012331.2); c.123-3332T>C (NM_001007792.1); short protein forms S30P.
Identifiers: ClinVar variation 664786 (VCV000664786.9), dbSNP rs1350547406, ClinGen allele CA342929378.